The following is an entry in ClinVar:

NM_001130987.2(DYSF):c.6064-184T>A

Gene: DYSF (dysferlin; plus strand). Cytogenetic location: 2p13.2.
Variant type: single nucleotide variant.
Coding change: c.6064-184T>A on transcript NM_001130987.2 (MANE Select); 184 bases into the intron before coding-DNA position 6064, T replaced by A.
Molecular consequence: intron variant.
Genome position (GRCh38, 1-based): chr2:71,680,817, T>A. VCF-style: chr2-71680817-T-A. GRCh37 (hg19) VCF-style: chr2-71907947-T-A.
Other names: c.6040-184T>A (NM_001130979.2); c.6061-184T>A (NM_001130981.2); c.5998-184T>A (NM_001130980.2); c.6010-184T>A (NM_001130978.2); c.5947-184T>A (NM_003494.4); c.5968-184T>A (NM_001130977.2); c.5905-184T>A (NM_001130976.2); c.6043-184T>A (NM_001130982.2); and 5 more.
Identifiers: ClinVar variation 678978 (VCV000678978.1), dbSNP rs79215518, ClinGen allele CA49775383.

ClinVar aggregate classification (germline): Likely benign (1 of 4 stars; one submission).

Allele frequency attached by ClinVar (database versions not stated): gnomAD 0.01227 and 0.01312; 1000 Genomes Project 0.01358; 1000 Genomes Project 30x 0.01374; TOPMed 0.01389.
gnomAD v4.1: 1,845 of 152,354 alleles (1.2%); highest among the groups gnomAD compares: African/African-American, 4.2%; 49 homozygotes.

Submission:

GeneDx
Classification: Likely benign. Last evaluated: 2018-06-16. Review status: criteria provided, single submitter. Criteria: GeneDx Variant Classification (06012015). Collection method: clinical testing. Allele origin: germline. Affected: yes.
Comment: This variant is considered likely benign or benign based on one or more of the following criteria: it is a conservative change, it occurs at a poorly conserved position in the protein, it is predicted to be benign by multiple in silico algorithms, and/or has population frequency not consistent with disease.